The following is an entry in ClinVar:

NM_032043.3(BRIP1):c.2335G>C (p.Val779Leu)

Gene: BRIP1 (BRCA1 interacting DNA helicase 1; minus strand). Cytogenetic location: 17q23.2.
Variant type: single nucleotide variant.
Coding change: c.2335G>C on transcript NM_032043.3 (MANE Select); coding-DNA position 2335, G replaced by C.
Protein change: p.Val779Leu; replaces valine 779 with leucine.
Molecular consequence: missense variant.
Genome position (GRCh38, 1-based): chr17:61,743,057, C>G on the plus strand (G>C on the coding strand, the complement: BRIP1 is on the minus strand). VCF-style: chr17-61743057-C-G. GRCh37 (hg19) VCF-style: chr17-59820418-C-G.
Other names: short protein forms V779L.
Identifiers: ClinVar variation 661472 (VCV000661472.9), dbSNP rs1603303802, ClinGen allele CA400482611.

ClinVar aggregate classification (germline): Uncertain significance (1 of 4 stars; one submission).

Conditions:
Familial cancer of breast. Also called: Hereditary breast cancer; BREAST CANCER, FAMILIAL; hereditary breast carcinoma. Identifiers: Orphanet 227535, MedGen C0346153, MONDO:0016419, OMIM 114480. Disease mechanism: loss of function.
Fanconi anemia complementation group J. Also called: BRIP1-Related Fanconi Anemia. Identifiers: Orphanet 84, MedGen C1836860, MONDO:0012187, OMIM 609054.

Submission:

Labcorp Genetics (formerly Invitae), Labcorp
Classification: Uncertain significance for Familial cancer of breast; Fanconi anemia complementation group J. Last evaluated: 2023-09-04. Review status: criteria provided, single submitter. Criteria: Invitae Variant Classification Sherloc (09022015). Collection method: clinical testing. Allele origin: germline.
Comment: ClinVar contains an entry for this variant (Variation ID: 661472). This variant has not been reported in the literature in individuals affected with BRIP1-related conditions. In summary, the available evidence is currently insufficient to determine the role of this variant in disease. Therefore, it has been classified as a Variant of Uncertain Significance. Advanced modeling of protein sequence and biophysical properties (such as structural, functional, and spatial information, amino acid conservation, physicochemical variation, residue mobility, and thermodynamic stability) performed at Invitae indicates that this missense variant is expected to disrupt BRIP1 protein function. This variant is not present in population databases (gnomAD no frequency). This sequence change replaces valine, which is neutral and non-polar, with leucine, which is neutral and non-polar, at codon 779 of the BRIP1 protein (p.Val779Leu).